The following is an entry in ClinVar:

ClinVar aggregate classification (germline): Conflicting classifications of pathogenicity. Review status: criteria provided, conflicting classifications (1 of 4 stars). 2 submissions from 2 submitters: Uncertain significance (1); Likely benign (1). Last evaluated 2025-06-17.

Allele frequency attached by ClinVar (database versions not stated): gnomAD exomes 0.00003.
gnomAD v4.1: 11 of 390,662 alleles (0.0028%); highest among the groups gnomAD compares: East Asian, 0.042%; no homozygotes.

Submissions (2):

ARUP Laboratories, Molecular Genetics and Genomics, ARUP Laboratories
Classification: Likely benign. Last evaluated: 2025-06-17. Review status: criteria provided, single submitter. Criteria: ARUP Molecular Germline Variant Investigation Process 2024. Collection method: clinical testing. Allele origin: germline.
Comment: The Hb Nanchang variant (HBA2: c.46G>A; p.Gly16Ser, also known as c.46G>A; p.Gly15Ser when numbered from the mature protein, rs281864811, IthaID: 3841) has been reported along with recurring globin gene variants in carriers of both alpha- and beta-thalassemia (Wu 2017, Xu 2021, Yao 2013, Zhao 2020). These individuals presented normal hematological parameters, and any phenotypic influence of c.46G>A; p.Gly16Ser variant on other common globin gene variants is unknown. This variant is only observed on one allele in the Genome Aggregation Database (v2.1.1), indicating it is not a common polymorphism. Computational analyses are uncertain whether this variant is neutral or deleterious (REVEL: 0.408). Based on available information, this variant is considered to be likely benign. References: Wu L et al. ÃŸ-thalassemia caused by compound heterozygous mutations and cured by bone marrow transplantation: A case report. Mol Med Rep. 2017 Nov. PMID: 28901454. Xu A et al. A Novel a-Globin Chain Variant, Hb Nanchang [HBA2: c.46G>A, Codon 15 (GGT>AGT) (Gly?Ser)], Detected by Matrix-Assisted Laser Desorption Ionization-Time of Flight Mass Spectrometry. Hemoglobin. 2021 Jul. PMID: 34309461. Yao XY et al. Prevalence and genetic analysis of a-thalassemia and ÃŸ-thalassemia in Chongqing area of China. Gene. 2013 Dec 10. PMID: 24055728. Zhao J et al. Combined use of gap-PCR and next-generation sequencing improves thalassaemia carrier screening among premarital adults in China. J Clin Pathol. 2020 Aug. PMID: 31980563. Link to HbVar database

Women's Health and Genetics/Laboratory Corporation of America, LabCorp
Classification: Uncertain significance. Last evaluated: 2023-05-09. Review status: criteria provided, single submitter. Criteria: LabCorp Variant Classification Summary - May 2015. Collection method: clinical testing. Allele origin: germline.
Comment: Variant summary: HBA2 c.46G>A (p.Gly16Ser) results in a non-conservative amino acid change located in the Globin domain (IPR000971) of the encoded protein sequence. Four of five in-silico tools predict a benign effect of the variant on protein function. The variant allele was found at a frequency of 1.9e-05 in 53380 control chromosomes. The available data on variant occurrences in the general population are insufficient to allow any conclusion about variant significance. c.46G>A has been reported in the literature as a non-informative heterozygous genotype in a proband who had a clinical diagnosis of beta-thalassemia attributed to two different compound heterozygous HBB gene variants, namely IVS-II-654C>T and the Southeast Asian (SEA) typehereditary persistence of fetal hemoglobin (SEA-HPFH) variant (Wu_2017). It has also been reported as a non-informative genotype in settings of alpha-thalassemia carrier testing and as an incidental variant in settings of HbA1c measurements (example, Xu_2021, Wu_2017). These report(s) do not provide unequivocal conclusions about association of the variant with Alpha Thalassemia. To our knowledge, no experimental evidence demonstrating an impact on protein function has been reported. The following publications have been ascertained in the context of this evaluation (PMID: 28901454, 34309461, 31286593, 30809867). No clinical diagnostic laboratories have submitted clinical-significance assessments for this variant to ClinVar after 2014. Based on the evidence outlined above, the variant was classified as uncertain significance.

Literature cited by the submitters: PubMed 30809867 (cited by Women's Health and Genetics/Laboratory Corporation of America, LabCorp); PubMed 28901454 (cited by Women's Health and Genetics/Laboratory Corporation of America, LabCorp); PubMed 34309461 (cited by Women's Health and Genetics/Laboratory Corporation of America, LabCorp); PubMed 31286593 (cited by Women's Health and Genetics/Laboratory Corporation of America, LabCorp).

NM_000517.6(HBA2):c.46G>A (p.Gly16Ser)

Genes: HBA2 (hemoglobin subunit alpha 2; plus strand), LOC106804612 (hemoglobin subunit alpha 2 recombination region; plus strand). Cytogenetic location: 16p13.3.
Variant type: single nucleotide variant.
Coding change: c.46G>A on transcript NM_000517.6 (MANE Select); coding-DNA position 46, G replaced by A.
Protein change: p.Gly16Ser; replaces glycine 16 with serine.
Molecular consequence: missense variant.
Genome position (GRCh38, 1-based): chr16:172,958, G>A. VCF-style: chr16-172958-G-A. GRCh37 (hg19) VCF-style: chr16-222957-G-A.
Other names: short protein forms G16S.
Identifiers: ClinVar variation 2506211 (VCV002506211.2), dbSNP rs281864811, ClinGen allele CA393993043.
Genomic context (GRCh38, chr16:172,958, plus strand): 5'-CAGAGAGAACCCACCATGGTGCTGTCTCCTGCCGACAAGACCAACGTCAAGGCCGCCTGG[G>A]GTAAGGTCGGCGCGCACGCTGGCGAGTATGGTGCGGAGGCCCTGGAGAGGTGAGGCTCCC-3'
Protein context (NP_000508.1, residues 6-26): ADKTNVKAAW[Gly16Ser]KVGAHAGEYG